The following is an entry in ClinVar:

NM_001130987.2(DYSF):c.5975_5980del (p.Pro1992_Trp1994delinsArg)

Gene: DYSF (dysferlin; plus strand). Cytogenetic location: 2p13.2.
Variant type: Deletion.
Coding change: c.5975_5980del on transcript NM_001130987.2 (MANE Select); coding-DNA positions 5975 to 5980, 6 bases deleted (CAGAAT; older notation c.5975_5980delCAGAAT).
Protein change: p.Pro1992_Trp1994delinsArg.
Molecular consequence: inframe indel.
Genome position (GRCh38, 1-based): chr2:71,679,147-71,679,152, CAGAAT deleted. VCF-style (leftmost placement, unchanged base first): chr2-71679146-CCAGAAT-C. GRCh37 (hg19) VCF-style: chr2-71906276-CCAGAAT-C.
Other names: c.5861_5866del, p.Pro1954_Trp1956delinsArg (NM_001130455.2); c.5816_5821del, p.Pro1939_Trp1941delinsArg (NM_001130976.2); c.5879_5884del, p.Pro1960_Trp1962delinsArg (NM_001130977.2); c.5921_5926del, p.Pro1974_Trp1976delinsArg (NM_001130978.2); c.5951_5956del, p.Pro1984_Trp1986delinsArg (NM_001130979.2); c.5909_5914del, p.Pro1970_Trp1972delinsArg (NM_001130980.2); c.5972_5977del, p.Pro1991_Trp1993delinsArg (NM_001130981.2); c.5954_5959del, p.Pro1985_Trp1987delinsArg (NM_001130982.2); and 5 more.
Identifiers: ClinVar variation 5004301 (VCV005004301.1).

ClinVar aggregate classification (germline): Uncertain significance (1 of 4 stars; one submission).

Conditions:
Autosomal recessive limb-girdle muscular dystrophy. Identifiers: Orphanet 102015, MedGen C2931907, MONDO:0015152.

Submission:

Myriad Genetics, Inc.
Classification: Uncertain significance for Autosomal recessive limb-girdle muscular dystrophy. Last evaluated: 2025-11-25. Review status: criteria provided, single submitter. Criteria: Myriad Autosomal Dominant, Autosomal Recessive and X-Linked Classification Criteria (2023). Collection method: clinical testing. Allele origin: unknown.
Comment: NM_003494.3(DYSF):c.5858_5863del6(P1953_W1955delinsR) is an in-frame deletion classified as a variant of uncertain significance in the context of dysferlinopathy. P1953_W1955delinsR has not been observed in cases with relevant disease. Relevant functional assessments of this variant are not available in the literature. P1953_W1955delinsR has not been observed in referenced population frequency databases. In summary, there is insufficient evidence to classify NM_003494.3(DYSF):c.5858_5863del6(P1953_W1955delinsR) as pathogenic or benign. Please note: this variant was assessed in the context of healthy population screening.